The following is an entry in ClinVar:

ClinVar aggregate classification (germline): Uncertain significance (1 of 4 stars; one submission).

Conditions:
Early-infantile DEE. Also called: Early infantile epileptic encephalopathy with suppression bursts; Early infantile epileptic encephalopathy; Ohtahara syndrome. Identifiers: Orphanet 1934, MedGen C0393706, MONDO:0800491.

Allele frequency attached by ClinVar (database versions not stated): gnomAD exomes below 0.00001; ExAC 0.00001.
gnomAD v4.1: 2 of 1,613,980 alleles (0.00012%); highest among the groups gnomAD compares: South Asian, 0.0022%; no homozygotes.

Submission:

Labcorp Genetics (formerly Invitae), Labcorp
Classification: Uncertain significance for Early-infantile DEE. Last evaluated: 2022-08-10. Review status: criteria provided, single submitter. Criteria: Invitae Variant Classification Sherloc (09022015). Collection method: clinical testing. Allele origin: germline.
Comment: In summary, the available evidence is currently insufficient to determine the role of this variant in disease. Therefore, it has been classified as a Variant of Uncertain Significance. Advanced modeling of protein sequence and biophysical properties (such as structural, functional, and spatial information, amino acid conservation, physicochemical variation, residue mobility, and thermodynamic stability) performed at Invitae indicates that this missense variant is not expected to disrupt HCN1 protein function. ClinVar contains an entry for this variant (Variation ID: 650513). This variant has not been reported in the literature in individuals affected with HCN1-related conditions. This variant is present in population databases (rs760215449, gnomAD 0.003%). This sequence change replaces histidine, which is basic and polar, with aspartic acid, which is acidic and polar, at codon 768 of the HCN1 protein (p.His768Asp).

NM_021072.4(HCN1):c.2302C>G (p.His768Asp)

Gene: HCN1 (hyperpolarization activated cyclic nucleotide gated potassium channel 1; minus strand). Cytogenetic location: 5p12.
Variant type: single nucleotide variant.
Coding change: c.2302C>G on transcript NM_021072.4 (MANE Select); coding-DNA position 2302, C replaced by G.
Protein change: p.His768Asp; replaces histidine 768 with aspartic acid.
Molecular consequence: missense variant.
Genome position (GRCh38, 1-based): chr5:45,262,292, G>C on the plus strand (C>G on the coding strand, the complement: HCN1 is on the minus strand). VCF-style: chr5-45262292-G-C. GRCh37 (hg19) VCF-style: chr5-45262394-G-C.
Other names: short protein forms H768D.
Identifiers: ClinVar variation 650513 (VCV000650513.9), dbSNP rs760215449, ClinGen allele CA3259134.
Genomic context (GRCh38, chr5:45,262,292, plus strand): 5'-CGGAGAGTGGCCTGACTTCCCGGGTCAGGTTGGTGTTGTGAAGCGCCTGCGTGCTCTTGT[G>C]CACTTCATTTTTCGGCGTGGAGCTGCCAGGTGTCTGTGGCTGCGGGGACGGCTGCTGTGG-3'
Protein context (NP_066550.2, residues 758-778): PGSSTPKNEV[His768Asp]KSTQALHNTN